The following is an entry in ClinVar:

NM_006348.5(COG5):c.1038G>A (p.Pro346=)

Gene: COG5 (component of oligomeric golgi complex 5; minus strand). Cytogenetic location: 7q22.3.
Variant type: single nucleotide variant.
Coding change: c.1038G>A on transcript NM_006348.5 (MANE Select); coding-DNA position 1038, G replaced by A.
Protein change: p.Pro346=; no amino-acid change (proline 346 retained).
Molecular consequence: synonymous variant. On other transcripts: intron variant (1).
Genome position (GRCh38, 1-based): chr7:107,324,510, C>T on the plus strand (G>A on the coding strand, the complement: COG5 is on the minus strand). VCF-style: chr7-107324510-C-T. GRCh37 (hg19) VCF-style: chr7-106964955-C-T.
Other names: c.1131G>A (NM_006348.3); c.1038G>A, p.Pro346= (NM_001161520.2, NM_001379511.1, NM_001379512.1 and 3 more transcripts); c.324G>A, p.Pro108= (NM_001379516.1); c.539-26164G>A (NM_001379515.1).
Identifiers: ClinVar variation 1077296 (VCV001077296.11), dbSNP rs148802109, ClinGen allele CA4431019.

ClinVar aggregate classification (germline): Likely benign. Review status: criteria provided, single submitter (1 of 4 stars). 2 submissions from 2 submitters: Likely benign (1). 1 of the submissions does not count toward it. Last evaluated 2025-04-17.

Conditions:
COG5-related disorder. Also called: COG5-related condition.
COG5-congenital disorder of glycosylation. Also called: CDG IIi; COG5-CDG; CONGENITAL DISORDER OF GLYCOSYLATION, TYPE IIi. Identifiers: Orphanet 263487, MedGen C3150876, MONDO:0013325, OMIM 613612.

Allele frequency attached by ClinVar (database versions not stated): ExAC 0.00005; gnomAD 0.00005; TOPMed 0.00005; gnomAD exomes 0.00006 and 0.00008; ESP Exome Variant Server 0.00015.
gnomAD v4.1: 125 of 1,601,968 alleles (0.0078%); highest among the groups gnomAD compares: Non-Finnish European, 0.0093%; 1 homozygote.

Submissions (2):

Labcorp Genetics (formerly Invitae), Labcorp
Classification: Likely benign for COG5-congenital disorder of glycosylation. Last evaluated: 2025-04-17. Review status: criteria provided, single submitter. Criteria: Invitae Variant Classification Sherloc (09022015). Collection method: clinical testing. Allele origin: germline.

PreventionGenetics, part of Exact Sciences
Classification: Likely benign for COG5-related condition. Last evaluated: 2019-06-03. Review status: no assertion criteria provided. Collection method: clinical testing. Allele origin: germline. Not counted in ClinVar's aggregate classification.
Comment: This variant is classified as likely benign based on ACMG/AMP sequence variant interpretation guidelines (Richards et al. 2015 PMID: 25741868, with internal and published modifications).